The following is an entry in ClinVar:

NM_002303.6(LEPR):c.3449C>G (p.Thr1150Ser)

Gene: LEPR (leptin receptor; plus strand). Cytogenetic location: 1p31.3.
Variant type: single nucleotide variant.
Coding change: c.3449C>G on transcript NM_002303.6 (MANE Select); coding-DNA position 3449, C replaced by G.
Protein change: p.Thr1150Ser; replaces threonine 1150 with serine.
Molecular consequence: missense variant.
Genome position (GRCh38, 1-based): chr1:65,636,966, C>G. VCF-style: chr1-65636966-C-G. GRCh37 (hg19) VCF-style: chr1-66102649-C-G.
Other names: short protein forms T1150S.
Identifiers: ClinVar variation 4771237 (VCV004771237.1).

ClinVar aggregate classification (germline): Uncertain significance (1 of 4 stars; one submission).

gnomAD v4.1: 1 of 1,613,144 alleles (0.000062%); highest among the groups gnomAD compares: Non-Finnish European, 0.000085%; no homozygotes.

Submission:

Labcorp Genetics (formerly Invitae), Labcorp
Classification: Uncertain significance. Last evaluated: 2025-05-12. Review status: criteria provided, single submitter. Criteria: Invitae Variant Classification Sherloc (09022015). Collection method: clinical testing. Allele origin: germline.
Comment: This sequence change replaces threonine, which is neutral and polar, with serine, which is neutral and polar, at codon 1150 of the LEPR protein (p.Thr1150Ser). This variant is not present in population databases (gnomAD no frequency). This variant has not been reported in the literature in individuals affected with LEPR-related conditions. An algorithm developed to predict the effect of missense changes on protein structure and function (PolyPhen-2) suggests that this variant is likely to be tolerated. In summary, the available evidence is currently insufficient to determine the role of this variant in disease. Therefore, it has been classified as a Variant of Uncertain Significance.